The following is an entry in ClinVar:

NM_000492.4(CFTR):c.1397C>T (p.Ser466Leu)

Genes: CFTR (CF transmembrane conductance regulator; plus strand), CFTR-AS1 (CFTR antisense RNA 1; minus strand). Cytogenetic location: 7q31.2.
Variant type: single nucleotide variant.
Coding change: c.1397C>T on transcript NM_000492.4 (MANE Select); coding-DNA position 1397, C replaced by T.
Protein change: p.Ser466Leu; replaces serine 466 with leucine.
Molecular consequence: missense variant.
Genome position (GRCh38, 1-based): chr7:117,559,468, C>T. VCF-style: chr7-117559468-C-T. GRCh37 (hg19) VCF-style: chr7-117199522-C-T.
Other names: short protein forms S466L.
Identifiers: ClinVar variation 53245 (VCV000053245.13), dbSNP rs121908805, ClinGen allele CA326469.

ClinVar aggregate classification (germline): Conflicting classifications of pathogenicity. Review status: criteria provided, conflicting classifications (1 of 4 stars). 5 submissions from 5 submitters: Likely pathogenic (4); Uncertain significance (1). Last evaluated 2026-04-02.

Conditions:
Bronchiectasis with or without elevated sweat chloride 1 (BESC1). Also called: Cystic Fibrosis-Like Syndrome. Identifiers: Orphanet 60033, MedGen C2749757, MONDO:0008887, OMIM 211400.
Hereditary pancreatitis (PCTT). Also called: PRSS1-Related Hereditary Pancreatitis; Hereditary chronic pancreatitis. Identifiers: Orphanet 676, MedGen C0238339, MONDO:0008185, OMIM 167800.
Cystic fibrosis (CF). Also called: MUCOVISCIDOSIS. Identifiers: Orphanet 586, MedGen C0010674, MONDO:0009061, OMIM 219700. Disease mechanism: loss of function.
Congenital bilateral aplasia of vas deferens from CFTR mutation (CBAVD). Identifiers: Orphanet 48, MedGen C0403814, MONDO:0010178, OMIM 277180. Disease mechanism: loss of function.

Allele frequency attached by ClinVar (database versions not stated): TOPMed 0.00001.

Submissions (5):

Women's Health and Genetics/Laboratory Corporation of America, LabCorp
Classification: Likely pathogenic for Congenital bilateral aplasia of vas deferens from CFTR mutation. Last evaluated: 2026-04-02. Review status: criteria provided, single submitter. Criteria: LabCorp Variant Classification Summary - May 2015. Collection method: clinical testing. Allele origin: germline.
Comment: Variant summary: CFTR c.1397C>T (p.Ser466Leu) results in a non-conservative amino acid change located in the AAA+ ATPase domain (IPR003593) of the encoded protein sequence. Algorithms developed to predict the effect of missense changes on protein structure and function all suggest that this variant is likely to be disruptive. The variant allele was found at a frequency of 4e-06 in 251204 control chromosomes. c.1397C>T has been reported in at least two compound heterozygous individuals affected with Congenital Bilateral Absence of the Vas Deferens (CBAVD), where both of these patients also carried a well-known CFTR disease variant (Steiner_2011 and in the SickKids database). At least one publication reports experimental evidence evaluating an impact on protein function, demonstrating that the variant protein in Xenopus oocytes has a significantly decreased Cl- channel function, with a residual whole cell Cl- conductance of about 8-10% of the wild type (Boucherot_2001). The following publications have been ascertained in the context of this evaluation (PMID: 11597353, 11504857, 35913788, 20021716, 25880441, 29497617, 25735457, 21520337, 26277102). ClinVar contains an entry for this variant (Variation ID: 53245). Based on the evidence outlined above, the variant was classified as likely pathogenic.

Ambry Genetics
Classification: Likely pathogenic for Cystic fibrosis. Last evaluated: 2025-05-28. Review status: criteria provided, single submitter. Criteria: Ambry Variant Classification Scheme 2023. Collection method: clinical testing. Allele origin: germline.
Comment: The p.S466L variant (also known as c.1397C>T), located in coding exon 11 of the CFTR gene, results from a C to T substitution at nucleotide position 1397. The serine at codon 466 is replaced by leucine, an amino acid with dissimilar properties. This variant was identified in one individual diagnosed with azoospermia; however, complete genotype information was not provided (Gallati S et al. Reprod. Biomed. Online, 2009 Nov;19:685-94). It was also detected in conjunction with a nonsense alteration in an individual with congenital absence of the vas deferens (CBAVD) (Steiner B et al. Hum. Mutat., 2011 Aug;32:912-20). In addition, this variant demonstrated reduced chloride function when expressed in Xenopus oocytes (Boucherot A et al. Biochim. Biophys. Acta, 2001 Nov;1515:64-71). This amino acid position is highly conserved in available vertebrate species. In addition, this alteration is predicted to be deleterious by in silico analysis. Based on the majority of available evidence to date, this variant is likely to be pathogenic.

Fulgent Genetics
Classification: Likely pathogenic for Hereditary pancreatitis; Bronchiectasis with or without elevated sweat chloride 1; Cystic fibrosis; Congenital bilateral aplasia of vas deferens from CFTR mutation. Last evaluated: 2024-03-30. Review status: criteria provided, single submitter. Criteria: ACMG Guidelines, 2015. Collection method: clinical testing. Allele origin: germline.

Baylor Genetics
Classification: Likely pathogenic for Bronchiectasis with or without elevated sweat chloride 1. Last evaluated: 2023-09-21. Review status: criteria provided, single submitter. Criteria: ACMG Guidelines, 2015. Collection method: clinical testing. Allele origin: unknown.

Labcorp Genetics (formerly Invitae), Labcorp
Classification: Uncertain significance for Cystic fibrosis. Last evaluated: 2022-08-05. Review status: criteria provided, single submitter. Criteria: Invitae Variant Classification Sherloc (09022015). Collection method: clinical testing. Allele origin: germline.
Comment: This sequence change replaces serine, which is neutral and polar, with leucine, which is neutral and non-polar, at codon 466 of the CFTR protein (p.Ser466Leu). This variant is present in population databases (rs121908805, gnomAD 0.0009%). This missense change has been observed in individuals with congenital absence of the vas deferens (PMID: 20021716, 21520337, 26277102). ClinVar contains an entry for this variant (Variation ID: 53245). Algorithms developed to predict the effect of missense changes on protein structure and function are either unavailable or do not agree on the potential impact of this missense change (SIFT: "Deleterious"; PolyPhen-2: "Probably Damaging"; Align-GVGD: "Class C0"). Experimental studies have shown that this missense change affects CFTR function (PMID: 11597353). In summary, the available evidence is currently insufficient to determine the role of this variant in disease. Therefore, it has been classified as a Variant of Uncertain Significance.

Literature cited by the submitters: PubMed 20021716 (cited by 3 submitters); PubMed 21520337 (cited by 3 submitters); PubMed 11504857 (cited by Women's Health and Genetics/Laboratory Corporation of America, LabCorp); PubMed 25735457 (cited by Women's Health and Genetics/Laboratory Corporation of America, LabCorp); PubMed 25880441 (cited by Women's Health and Genetics/Laboratory Corporation of America, LabCorp); PubMed 29497617 (cited by Women's Health and Genetics/Laboratory Corporation of America, LabCorp); PubMed 11597353 (cited by 3 submitters); PubMed 26277102 (cited by Women's Health and Genetics/Laboratory Corporation of America, LabCorp and Labcorp Genetics (formerly Invitae), Labcorp); PubMed 35913788 (cited by Women's Health and Genetics/Laboratory Corporation of America, LabCorp).